The following is an entry in ClinVar:

ClinVar aggregate classification (germline): Likely pathogenic (1 of 4 stars; one submission).

Conditions:
Microcephaly, seizures, and developmental delay. Identifiers: Orphanet 1934, MedGen C3150667, MONDO:0013254, OMIM 613402.

Allele frequency attached by ClinVar (database versions not stated): gnomAD exomes below 0.00001; TOPMed below 0.00001; ExAC 0.00007.

Submission:

Neuberg Centre For Genomic Medicine, NCGM
Classification: Likely pathogenic for Microcephaly, seizures, and developmental delay. Review status: criteria provided, single submitter. Criteria: ACMG Guidelines, 2015. Collection method: clinical testing. Allele origin: germline. Inheritance: Autosomal recessive inheritance. Affected: yes.
Comment: The frameshift variant c.1314_1317dup (p.Ala440ProfsTer55) in PNKP gene has not been reported previously as a pathogenic variant nor as a benign variant, to our knowledge. The p.Ala440ProfsTer55 variant is reported with allele frequency 0.003% in gnomAD exomes and novel in 1000 Genomes. This variant causes a frameshift starting with codon Alanine 440, changes this amino acid to Proline residue, and creates a premature Stop codon at position 55 of the new reading frame, denoted p.Ala440ProfsTer55.This variant is predicted to cause loss of normal protein function. Loss of function variants have been previously reported to be disease causing. For these reasons, this variant has been classified as Likely Pathogenic. In the absence of another reportable variant , the molecular diagnosis is not confirmed.

NM_007254.4(PNKP):c.1314_1317dup (p.Ala440fs)

Gene: PNKP (polynucleotide kinase 3'-phosphatase; minus strand). Cytogenetic location: 19q13.33.
Variant type: Duplication.
Coding change: c.1314_1317dup on transcript NM_007254.4 (MANE Select); coding-DNA positions 1314 to 1317, 4 bases duplicated (CCGA; older notation c.1314_1317dupCCGA).
Protein change: p.Ala440fs; shifts the reading frame from alanine 440.
Molecular consequence: frameshift variant.
Genome position (GRCh38, 1-based): chr19:49,861,677-49,861,680, TCGG duplicated on the plus strand (CCGA on the coding strand, the reverse complement: PNKP is on the minus strand). VCF-style (leftmost placement, unchanged base first): chr19-49861676-C-CTCGG. GRCh37 (hg19) VCF-style: chr19-50364933-C-CTCGG.
Other names: short protein forms A440fs.
Identifiers: ClinVar variation 2585035 (VCV002585035.1), dbSNP rs770344860, ClinGen allele CA9586456.